The following is an entry in ClinVar:

NM_015259.6(ICOSLG):c.296G>T (p.Arg99Leu)

Gene: ICOSLG (inducible T cell costimulator ligand; minus strand). Cytogenetic location: 21q22.3.
Variant type: single nucleotide variant.
Coding change: c.296G>T on transcript NM_015259.6 (MANE Select); coding-DNA position 296, G replaced by T.
Protein change: p.Arg99Leu; replaces arginine 99 with leucine.
Molecular consequence: missense variant. On other transcripts: intron variant (1).
Genome position (GRCh38, 1-based): chr21:44,236,977, C>A on the plus strand (G>T on the coding strand, the complement: ICOSLG is on the minus strand). VCF-style: chr21-44236977-C-A. GRCh37 (hg19) VCF-style: chr21-45656860-C-A.
Other names: c.296G>T, p.Arg99Leu (NM_001283050.2); c.41G>T, p.Arg14Leu (NM_001283052.2); c.215G>T, p.Arg72Leu (NM_001365759.2); c.56-1415G>T (NM_001283051.2); c.296G>T (NM_015259.4); short protein forms R14L, R72L, R99L.
Identifiers: ClinVar variation 1514867 (VCV001514867.7), dbSNP rs61737085, ClinGen allele CA321498168.

ClinVar aggregate classification (germline): Uncertain significance. Review status: criteria provided, multiple submitters, no conflicts (2 of 4 stars). 2 submissions from 2 submitters: Uncertain significance (2). Last evaluated 2025-09-26.

Allele frequency attached by ClinVar (database versions not stated): 1000 Genomes Project 0.00100.

Submissions (2):

Ambry Genetics
Classification: Uncertain significance. Last evaluated: 2025-09-26. Review status: criteria provided, single submitter. Criteria: Ambry Variant Classification Scheme 2023. Collection method: clinical testing. Allele origin: germline.

Labcorp Genetics (formerly Invitae), Labcorp
Classification: Uncertain significance. Last evaluated: 2025-03-10. Review status: criteria provided, single submitter. Criteria: Invitae Variant Classification Sherloc (09022015). Collection method: clinical testing. Allele origin: germline.
Comment: This sequence change replaces arginine, which is basic and polar, with leucine, which is neutral and non-polar, at codon 99 of the ICOSLG protein (p.Arg99Leu). This variant is present in population databases (rs61737085, gnomAD 0.04%). This variant has not been reported in the literature in individuals affected with ICOSLG-related conditions. ClinVar contains an entry for this variant (Variation ID: 1514867). An algorithm developed to predict the effect of missense changes on protein structure and function outputs the following: PolyPhen-2: "Benign". The leucine amino acid residue is found in multiple mammalian species, which suggests that this missense change does not adversely affect protein function. In summary, the available evidence is currently insufficient to determine the role of this variant in disease. Therefore, it has been classified as a Variant of Uncertain Significance.